The following is an entry in ClinVar:

ClinVar aggregate classification (germline): Likely pathogenic (1 of 4 stars; one submission).

Allele frequency attached by ClinVar (database versions not stated): gnomAD exomes 0.00001.
gnomAD v4.1: 9 of 1,614,172 alleles (0.00056%); highest among the groups gnomAD compares: Non-Finnish European, 0.00076%; no homozygotes.

Submission:

Labcorp Genetics (formerly Invitae), Labcorp
Classification: Likely pathogenic. Last evaluated: 2022-11-29. Review status: criteria provided, single submitter. Criteria: Invitae Variant Classification Sherloc (09022015). Collection method: clinical testing. Allele origin: germline.
Comment: This variant has not been reported in the literature in individuals affected with SLC12A3-related conditions. Advanced modeling of protein sequence and biophysical properties (such as structural, functional, and spatial information, amino acid conservation, physicochemical variation, residue mobility, and thermodynamic stability) performed at Invitae indicates that this missense variant is expected to disrupt SLC12A3 protein function. This variant disrupts the p.Trp1002 amino acid residue in SLC12A3. Other variant(s) that disrupt this residue have been determined to be pathogenic (PMID: 21415153). This suggests that this residue is clinically significant, and that variants that disrupt this residue are likely to be disease-causing. In summary, the currently available evidence indicates that the variant is pathogenic, but additional data are needed to prove that conclusively. Therefore, this variant has been classified as Likely Pathogenic. This sequence change replaces tryptophan, which is neutral and slightly polar, with leucine, which is neutral and non-polar, at codon 1002 of the SLC12A3 protein (p.Trp1002Leu). This variant is present in population databases (no rsID available, gnomAD 0.0009%).

Literature cited by the submitters: PubMed 21415153.

NM_001126108.2(SLC12A3):c.2978G>T (p.Trp993Leu)

Genes: SLC12A3 (solute carrier family 12 member 3; plus strand), LOC126862361 (CDK7 strongly-dependent group 2 enhancer GRCh37_chr16:56946332-56947531; plus strand). Cytogenetic location: 16q13.
Variant type: single nucleotide variant.
Coding change: c.2978G>T on transcript NM_001126108.2 (MANE Select); coding-DNA position 2978, G replaced by T.
Protein change: p.Trp993Leu; replaces tryptophan 993 with leucine.
Molecular consequence: missense variant.
Genome position (GRCh38, 1-based): chr16:56,913,317, G>T. VCF-style: chr16-56913317-G-T. GRCh37 (hg19) VCF-style: chr16-56947229-G-T.
Other names: c.3005G>T, p.Trp1002Leu (NM_000339.3); c.3002G>T, p.Trp1001Leu (NM_001126107.2); c.2975G>T, p.Trp992Leu (NM_001410896.1); short protein forms W1002L, W1001L, W992L, W993L.
Identifiers: ClinVar variation 1936284 (VCV001936284.5), dbSNP rs1272158837, ClinGen allele CA396005875.
Genomic context (GRCh38, chr16:56,913,317, plus strand): 5'-CTTGCAGCACTTTGCCCATAGGGAGGAAGGGGAAGTGCCCCAGCTCGCTGTACATGGCCT[G>T]GCTGGAGACCCTGTCCCAGGACCTCAGACCTCCAGTCATCCTGATCCGAGGAAACCAGGA-3'
Protein context (NP_001119580.2, residues 983-1003): GKCPSSLYMA[Trp993Leu]LETLSQDLRP